The following is an entry in ClinVar:

NM_174936.4(PCSK9):c.502G>T (p.Ala168Ser)

Gene: PCSK9 (proprotein convertase subtilisin/kexin type 9; plus strand). Cytogenetic location: 1p32.3.
Variant type: single nucleotide variant.
Coding change: c.502G>T on transcript NM_174936.4 (MANE Select); coding-DNA position 502, G replaced by T.
Protein change: p.Ala168Ser; replaces alanine 168 with serine.
Molecular consequence: missense variant. On other transcripts: non-coding transcript variant (6).
Genome position (GRCh38, 1-based): chr1:55,046,625, G>T. VCF-style: chr1-55046625-G-T. GRCh37 (hg19) VCF-style: chr1-55512298-G-T.
Other names: c.310G>T, p.Ala104Ser (NM_001407245.1); c.127G>T, p.Ala43Ser (NM_001407246.1); c.502G>T, p.Ala168Ser (NM_001407247.1, NM_001407241.1, NM_001407242.1 and 1 more transcripts); c.625G>T, p.Ala209Ser (NM_001407240.1); c.445G>T, p.Ala149Ser (NM_001407243.1); short protein forms A104S, A149S, A168S, A209S, A43S.
Identifiers: ClinVar variation 3072928 (VCV003072928.2), dbSNP rs1356251183, ClinGen allele CA340484830.

ClinVar aggregate classification (germline): Uncertain significance. Review status: criteria provided, multiple submitters, no conflicts (2 of 4 stars). 2 submissions from 2 submitters: Uncertain significance (2). Last evaluated 2026-06-12.

Conditions:
Familial hypercholesterolemia. Also called: Familial hypercholesterolemias; Familial hypercholesterolaemia. Identifiers: MedGen C0020445, MONDO:0005439.
Hypercholesterolemia, autosomal dominant, 3 (FHCL3). Also called: Familial Hypercholesterolemia, Autosomal Dominant, 3; PCSK9-Related Familial Hypercholesterolemia, Autosomal Dominant; Familial hypercholesterolemia 3. Identifiers: MedGen C1863551, MONDO:0011369, OMIM 603776.

gnomAD v4.1: 4 of 1,614,020 alleles (0.00025%); highest among the groups gnomAD compares: South Asian, 0.0044%; no homozygotes.

Submissions (2):

Cambridge Genomics Laboratory, East Genomic Laboratory Hub, NHS Genomic Medicine Service
Classification: Uncertain significance for Familial hypercholesterolaemia. Last evaluated: 2026-06-12. Review status: criteria provided, single submitter. Criteria: ACGS Best Practice Guidelines for Variant Classification in Rare Disease 2020. Collection method: clinical testing. Allele origin: germline. Affected: yes.

All of Us Research Program, National Institutes of Health
Classification: Uncertain significance for Hypercholesterolemia, autosomal dominant, 3. Last evaluated: 2023-08-15. Review status: criteria provided, single submitter. Criteria: ACMG Guidelines, 2015. Collection method: clinical testing. Allele origin: germline. Inheritance: Autosomal dominant inheritance. Observed: 1 variant allele, 1 heterozygote.
Comment: This missense variant replaces alanine with serine at codon 168 of the PCSK9 protein. Computational prediction suggests that this variant may not impact protein structure and function (internally defined REVEL score threshold <= 0.5, PMID: 27666373). To our knowledge, functional studies have not been reported for this variant. This variant has not been reported in individuals affected with PCSK9-related disorders in the literature. This variant has not been identified in the general population by the Genome Aggregation Database (gnomAD). The available evidence is insufficient to determine the role of this variant in disease conclusively. Therefore, this variant is classified as a Variant of Uncertain Significance.

This study involves interpretation of variants in research participants for the purpose of population health screening. Participant phenotype was not available at the time of variant classification. Additional details can be found in publication PMID: 35346344, PMCID: PMC8962531